The following is an entry in ClinVar:

NM_018979.4(WNK1):c.2262A>C (p.Thr754=)

Gene: WNK1 (WNK lysine deficient protein kinase 1; plus strand). Cytogenetic location: 12p13.33.
Variant type: single nucleotide variant.
Coding change: c.2262A>C on transcript NM_018979.4 (MANE Select); coding-DNA position 2262, A replaced by C.
Protein change: p.Thr754=; no amino-acid change (threonine 754 retained).
Molecular consequence: synonymous variant.
Genome position (GRCh38, 1-based): chr12:878,250, A>C. VCF-style: chr12-878250-A-C. GRCh37 (hg19) VCF-style: chr12-987416-A-C.
Other names: c.3501A>C, p.Thr1167= (NM_001184985.2); c.2259A>C, p.Thr753= (NM_014823.3); c.3756A>C, p.Thr1252= (NM_213655.5); c.2262A>C (NM_018979.3).
Identifiers: ClinVar variation 2642566 (VCV002642566.25), dbSNP rs2548917875, ClinGen allele CA477849924.

ClinVar aggregate classification (germline): Likely benign. Review status: criteria provided, multiple submitters, no conflicts (2 of 4 stars). 2 submissions from 2 submitters: Likely benign (2). Last evaluated 2025-04-18.

Conditions:
WNK1-related disorder. Also called: WNK1-related condition.

Allele frequency attached by ClinVar (database versions not stated): gnomAD exomes 0.00001.
gnomAD v4.1: 11 of 1,614,200 alleles (0.00068%); highest among the groups gnomAD compares: Non-Finnish European, 0.00093%; no homozygotes.

Submissions (2):

PreventionGenetics, part of Exact Sciences
Classification: Likely benign for WNK1-related condition. Last evaluated: 2025-04-18. Review status: criteria provided, single submitter. Criteria: ACMG Guidelines, 2015. Collection method: clinical testing. Allele origin: germline.
Comment: This variant is classified as likely benign based on ACMG/AMP sequence variant interpretation guidelines (Richards et al. 2015 PMID: 25741868, with internal and published modifications).

CeGaT Center for Human Genetics Tuebingen
Classification: Likely benign. Last evaluated: 2023-05-01. Review status: criteria provided, single submitter. Criteria: CeGaT Center For Human Genetics Tuebingen Variant Classification Criteria Version 2. Collection method: clinical testing. Allele origin: germline. Affected: yes. Observed: 1 variant allele.
Comment: WNK1: PM2:Supporting, BP4, BP7